The following is an entry in ClinVar:

NM_001609.4(ACADSB):c.878dup (p.Gly293_Arg294insTer)

Gene: ACADSB (acyl-CoA dehydrogenase short/branched chain; plus strand). Cytogenetic location: 10q26.13.
Variant type: Duplication.
Coding change: c.878dup on transcript NM_001609.4 (MANE Select); coding-DNA position 878, one base duplicated (G; older notation c.878dupG).
Protein change: p.Gly293_Arg294insTer.
Molecular consequence: frameshift variant.
Genome position (GRCh38, 1-based): chr10:123,044,463, G duplicated; the last of 2 consecutive G bases (chr10:123,044,462-123,044,463); duplicating either gives the same sequence. VCF-style (leftmost placement, unchanged base first): chr10-123044461-A-AG. GRCh37 (hg19) VCF-style: chr10-124803977-A-AG.
Other names: c.572dup, p.Gly191_Arg192insTer (NM_001330174.3).
Identifiers: ClinVar variation 2828859 (VCV002828859.3), dbSNP rs1443718162, ClinGen allele CA596395897.

ClinVar aggregate classification (germline): Pathogenic (1 of 4 stars; one submission).

Conditions:
Deficiency of 2-methylbutyryl-CoA dehydrogenase (ACADSB). Also called: 2-methylbutyrylglycinuria; 2-methylbutyryl-CoA dehydrogenase deficiency; SBCAD deficiency; 2-methylbutyric aciduria; Short branched-chain acyl-CoA dehydrogenase deficiency. Identifiers: Orphanet 79157, MedGen C1864912, MONDO:0012392, OMIM 610006, HP:0020147.

Submission:

Labcorp Genetics (formerly Invitae), Labcorp
Classification: Pathogenic for Deficiency of 2-methylbutyryl-CoA dehydrogenase. Last evaluated: 2023-01-15. Review status: criteria provided, single submitter. Criteria: Invitae Variant Classification Sherloc (09022015). Collection method: clinical testing. Allele origin: germline.
Comment: For these reasons, this variant has been classified as Pathogenic. This variant has not been reported in the literature in individuals affected with ACADSB-related conditions. This variant is present in population databases (no rsID available, gnomAD 0.006%). This sequence change creates a premature translational stop signal (p.Arg294*) in the ACADSB gene. It is expected to result in an absent or disrupted protein product. Loss-of-function variants in ACADSB are known to be pathogenic (PMID: 20547083, 26284228).

Literature cited by the submitters: PubMed 20547083; PubMed 26284228.